The following is an entry in ClinVar:

NM_000077.5(CDKN2A):c.162G>A (p.Met54Ile)

Gene: CDKN2A (cyclin dependent kinase inhibitor 2A; minus strand). Cytogenetic location: 9p21.3.
Variant type: single nucleotide variant.
Coding change: c.162G>A on transcript NM_000077.5; coding-DNA position 162, G replaced by A.
Protein change: p.Met54Ile; replaces methionine 54 with isoleucine.
Molecular consequence: missense variant (on NM_000077.6). On other transcripts: 3 prime UTR variant (1).
Genome position (GRCh38, 1-based): chr9:21,971,197, C>T on the plus strand (G>A on the coding strand, the complement: CDKN2A is on the minus strand). VCF-style: chr9-21971197-C-T. GRCh37 (hg19) VCF-style: chr9-21971196-C-T.
Other names: c.162G>A, p.Met54Ile (NM_000077.6, NM_001195132.2); c.9G>A, p.Met3Ile (NM_001363763.2); c.205G>A, p.Gly69Arg (NM_058195.4); c.*85G>A (NM_058197.5); short protein forms G69R, M3I, M54I.
Identifiers: ClinVar variation 819708 (VCV000819708.15), dbSNP rs776792523, ClinGen allele CA5012216.

ClinVar aggregate classification (germline): Uncertain significance. Review status: criteria provided, multiple submitters, no conflicts (2 of 4 stars). 3 submissions from 3 submitters: Uncertain significance (3). Last evaluated 2025-07-28.

Conditions:
Familial melanoma. Also called: Hereditary melanoma; Hereditary cutaneous melanoma. Identifiers: Orphanet 618, MedGen C1512419, MONDO:0018961.
Hereditary cancer-predisposing syndrome. Also called: Neoplastic Syndromes, Hereditary; Tumor predisposition; Hereditary Cancer Syndrome; Hereditary neoplastic syndrome. Identifiers: Orphanet 140162, MedGen C0027672, MeSH D009386, MONDO:0015356.

Allele frequency attached by ClinVar (database versions not stated): gnomAD exomes below 0.00001; ExAC 0.00001.
gnomAD v4.1: 1 of 1,597,758 alleles (0.000063%); highest among the groups gnomAD compares: Admixed American, 0.0017%; no homozygotes.

Submissions (3):

Ambry Genetics
Classification: Uncertain significance for Hereditary cancer-predisposing syndrome. Last evaluated: 2025-07-28. Review status: criteria provided, single submitter. Criteria: Ambry Variant Classification Scheme 2023. Collection method: clinical testing. Allele origin: germline.
Comment: The p.M54I variant (also known as c.162G>A), located in coding exon 2 of the CDKN2A gene, results from a G to A substitution at nucleotide position 162. The methionine at codon 54 is replaced by isoleucine, an amino acid with highly similar properties. This amino acid position is well conserved in available vertebrate species. In addition, the in silico prediction for this alteration is inconclusive. Of note, this alteration is also known as c.205G>A (p.G69R) in the p14(ARF) isoform. Since supporting evidence is limited at this time, the clinical significance of this alteration remains unclear.

Labcorp Genetics (formerly Invitae), Labcorp
Classification: Uncertain significance for Familial melanoma. Last evaluated: 2020-03-06. Review status: criteria provided, single submitter. Criteria: Invitae Variant Classification Sherloc (09022015). Collection method: clinical testing. Allele origin: germline.
Comment: This sequence change replaces methionine with isoleucine at codon 54 of the CDKN2A (p16INK4a) protein (p.Met54Ile). The methionine residue is highly conserved and there is a small physicochemical difference between methionine and isoleucine. Alternatively, this sequence change replaces glycine with arginine at codon 69 of the CDKN2A (p14ARF) protein (p.Gly69Arg). The glycine residue is highly conserved and there is a moderate physicochemical difference between glycine and arginine. This variant is present in population databases (rs776792523, ExAC 0.01%). This variant has not been reported in the literature in individuals with CDKN2A-related conditions. The p.Met54Ile variant in p16INK4a has been reported not to substantially affect CDKN2A (p16INK4a) protein function (PMID: 21462282). The functional impact of p.Gly69Arg on p14ARF has not been tested. In summary, the available evidence is currently insufficient to determine the role of this variant in disease. Therefore, it has been classified as a Variant of Uncertain Significance. The CDKN2A gene encodes two different proteins, p16INK4a and p14ARF, which are translated from alternative transcripts that have different open reading frames.

Color Diagnostics, LLC DBA Color Health
Classification: Uncertain significance for Hereditary cancer-predisposing syndrome. Last evaluated: 2019-04-18. Review status: criteria provided, single submitter. Criteria: ACMG Guidelines, 2015. Collection method: clinical testing. Allele origin: germline.

Literature cited by the submitters: PubMed 9185756 (cited by Ambry Genetics); PubMed 21462282 (cited by Labcorp Genetics (formerly Invitae), Labcorp).